The following is an entry in ClinVar:

NM_000540.3(RYR1):c.11523G>A (p.Leu3841=)

Gene: RYR1 (ryanodine receptor 1; plus strand). Cytogenetic location: 19q13.2.
Variant type: single nucleotide variant.
Coding change: c.11523G>A on transcript NM_000540.3 (MANE Select); coding-DNA position 11523, G replaced by A.
Protein change: p.Leu3841=; no amino-acid change (leucine 3841 retained).
Molecular consequence: synonymous variant.
Genome position (GRCh38, 1-based): chr19:38,536,003, G>A. VCF-style: chr19-38536003-G-A. GRCh37 (hg19) VCF-style: chr19-39026643-G-A.
Other names: c.11508G>A, p.Leu3836= (NM_001042723.2).
Identifiers: ClinVar variation 2862422 (VCV002862422.4), dbSNP rs1429995167, ClinGen allele CA507241361.
Genomic context (GRCh38, chr19:38,536,003, plus strand): 5'-GAGGAGGGCAGAGGCTTCATCACATACCCCCTATCTTTCCTTTCTTTTCCTCAGCGTCCT[G>A]GATCTCAATGCCTTTGAGAGACAGAACAAGGCCGAGGGGCTGGGCATGGTGAATGAGGAT-3'
Protein context (NP_000531.2, residues 3831-3851): IQALMQTCSV[Leu3841=]DLNAFERQNK

ClinVar aggregate classification (germline): Likely benign. Review status: criteria provided, multiple submitters, no conflicts (2 of 4 stars). 2 submissions from 2 submitters: Likely benign (2). Last evaluated 2023-11-20.

Conditions:
Malignant hyperthermia, susceptibility to, 1 (MHS1). Also called: Anesthesia related hyperthermia; Malignant hyperpyrexia; Fulminating hyperpyrexia; Pharmacogenic myopathy; Malignant hyperthermia suceptibility 1; RYR1-Related Malignant Hyperthermia Susceptibility. Identifiers: Orphanet 423, MedGen C2930980, MONDO:0007783, OMIM 145600.
RYR1-related disorder. Also called: RYR1-related condition; RYR1-related disorders. Identifiers: MedGen CN239331.

Allele frequency attached by ClinVar (database versions not stated): gnomAD exomes below 0.00001.
gnomAD v4.1: 1 of 1,613,816 alleles (0.000062%); highest among the groups gnomAD compares: South Asian, 0.0011%; no homozygotes.

Submissions (2):

All of Us Research Program, National Institutes of Health
Classification: Likely benign for Malignant hyperthermia, susceptibility to, 1. Last evaluated: 2023-11-20. Review status: criteria provided, single submitter. Criteria: ACMG Guidelines, 2015. Collection method: clinical testing. Allele origin: germline. Inheritance: Autosomal dominant inheritance. Observed: 1 variant allele, 1 heterozygote.
Comment: This study involves interpretation of variants in research participants for the purpose of population health screening. Participant phenotype was not available at the time of variant classification. Additional details can be found in publication PMID: 35346344, PMCID: PMC8962531

Labcorp Genetics (formerly Invitae), Labcorp
Classification: Likely benign for RYR1-related disorder. Last evaluated: 2023-05-07. Review status: criteria provided, single submitter. Criteria: Invitae Variant Classification Sherloc (09022015). Collection method: clinical testing. Allele origin: germline.